The following is an entry in ClinVar:

NM_001182.5(ALDH7A1):c.1051A>G (p.Lys351Glu)

Gene: ALDH7A1 (aldehyde dehydrogenase 7 family member A1; minus strand). Cytogenetic location: 5q23.2.
Variant type: single nucleotide variant.
Coding change: c.1051A>G on transcript NM_001182.5 (MANE Select); coding-DNA position 1051, A replaced by G.
Protein change: p.Lys351Glu; replaces lysine 351 with glutamic acid.
Molecular consequence: missense variant. On other transcripts: intron variant (1).
Genome position (GRCh38, 1-based): chr5:126,555,973, T>C on the plus strand (A>G on the coding strand, the complement: ALDH7A1 is on the minus strand). VCF-style: chr5-126555973-T-C. GRCh37 (hg19) VCF-style: chr5-125891665-T-C.
Other names: c.967A>G, p.Lys323Glu (NM_001201377.2); c.1008+3267A>G (NM_001202404.2); short protein forms K323E, K351E.
Identifiers: ClinVar variation 3704757 (VCV003704757.2).

ClinVar aggregate classification (germline): Uncertain significance (1 of 4 stars; one submission).

Conditions:
Pyridoxine-dependent epilepsy (EPEO4). Also called: Pyridoxine-Dependent Seizures; PYRIDOXINE DEPENDENCY WITH SEIZURES; Pyridoxine-Dependent Epilepsy - ALDH7A1; EPILEPSY, EARLY-ONSET, 4, VITAMIN B6-DEPENDENT. Identifiers: Orphanet 3006, MedGen C1849508, MONDO:0009945, OMIM 266100. Disease mechanism: loss of function.

gnomAD v4.1: 14 of 1,613,572 alleles (0.00087%); highest among the groups gnomAD compares: South Asian, 0.015%; no homozygotes.

Submission:

Labcorp Genetics (formerly Invitae), Labcorp
Classification: Uncertain significance for Pyridoxine-dependent epilepsy. Last evaluated: 2024-08-30. Review status: criteria provided, single submitter. Criteria: Invitae Variant Classification Sherloc (09022015). Collection method: clinical testing. Allele origin: germline.
Comment: This sequence change replaces lysine, which is basic and polar, with glutamic acid, which is acidic and polar, at codon 351 of the ALDH7A1 protein (p.Lys351Glu). This variant is present in population databases (rs763193538, gnomAD 0.006%). This variant has not been reported in the literature in individuals affected with ALDH7A1-related conditions. Invitae Evidence Modeling of protein sequence and biophysical properties (such as structural, functional, and spatial information, amino acid conservation, physicochemical variation, residue mobility, and thermodynamic stability) indicates that this missense variant is not expected to disrupt ALDH7A1 protein function with a negative predictive value of 95%. In summary, the available evidence is currently insufficient to determine the role of this variant in disease. Therefore, it has been classified as a Variant of Uncertain Significance.